The following is an entry in ClinVar:

NM_000390.4(CHM):c.1505G>A (p.Gly502Asp)

Gene: CHM (CHM Rab escort protein; minus strand). Cytogenetic location: Xq21.2.
Variant type: single nucleotide variant.
Coding change: c.1505G>A on transcript NM_000390.4 (MANE Select); coding-DNA position 1505, G replaced by A.
Protein change: p.Gly502Asp; replaces glycine 502 with aspartic acid.
Molecular consequence: missense variant.
Genome position (GRCh38, 1-based): chrX:85,894,193, C>T on the plus strand (G>A on the coding strand, the complement: CHM is on the minus strand). VCF-style: chrX-85894193-C-T. GRCh37 (hg19) VCF-style: chrX-85149198-C-T.
Other names: c.1061G>A, p.Gly354Asp (NM_001320959.1, NM_001362517.1, NM_001362518.2 and 1 more transcripts); short protein forms G354D, G502D.
Identifiers: ClinVar variation 1995876 (VCV001995876.4), dbSNP rs2520071393, ClinGen allele CA413788421.

ClinVar aggregate classification (germline): Uncertain significance (1 of 4 stars; one submission).

Submission:

Labcorp Genetics (formerly Invitae), Labcorp
Classification: Uncertain significance. Last evaluated: 2022-06-13. Review status: criteria provided, single submitter. Criteria: Invitae Variant Classification Sherloc (09022015). Collection method: clinical testing. Allele origin: germline.
Comment: In summary, the available evidence is currently insufficient to determine the role of this variant in disease. Therefore, it has been classified as a Variant of Uncertain Significance. Algorithms developed to predict the effect of missense changes on protein structure and function are either unavailable or do not agree on the potential impact of this missense change (SIFT: "Tolerated"; PolyPhen-2: "Probably Damaging"; Align-GVGD: "Class C0"). This variant has not been reported in the literature in individuals affected with CHM-related conditions. This variant is not present in population databases (gnomAD no frequency). This sequence change replaces glycine, which is neutral and non-polar, with aspartic acid, which is acidic and polar, at codon 502 of the CHM protein (p.Gly502Asp).